The following is an entry in ClinVar:

ClinVar aggregate classification (germline): Uncertain significance (1 of 4 stars; one submission).

Submission:

Labcorp Genetics (formerly Invitae), Labcorp
Classification: Uncertain significance. Last evaluated: 2022-06-14. Review status: criteria provided, single submitter. Criteria: Invitae Variant Classification Sherloc (09022015). Collection method: clinical testing. Allele origin: germline.
Comment: In summary, the available evidence is currently insufficient to determine the role of this variant in disease. Therefore, it has been classified as a Variant of Uncertain Significance. This variant has not been reported in the literature in individuals affected with EXTL3-related conditions. This variant is not present in population databases (gnomAD no frequency). This sequence change creates a premature translational stop signal (p.Val291Argfs*90) in the EXTL3 gene. It is expected to result in an absent or disrupted protein product. However, the current clinical and genetic evidence is not sufficient to establish whether loss-of-function variants in EXTL3 cause disease.

NM_001440.4(EXTL3):c.743_870dup (p.Val291fs)

Gene: EXTL3 (exostosin like glycosyltransferase 3; plus strand). Cytogenetic location: 8p21.1.
Variant type: Duplication.
Coding change: c.743_870dup on transcript NM_001440.4 (MANE Select); coding-DNA positions 743 to 870, 128 bases duplicated.
Protein change: p.Val291fs; shifts the reading frame from valine 291.
Molecular consequence: frameshift variant.
Genome position (GRCh38, 1-based): chr8:28,716,802-28,716,929, 128 bases duplicated. GRCh37 (hg19): chr8:28,574,319-28,574,446.
Other names: short protein forms V291fs.
Identifiers: ClinVar variation 2006672 (VCV002006672.4), dbSNP rs2486622295, ClinGen allele CA2580078098.